The following is an entry in ClinVar:

ClinVar aggregate classification (germline): Benign. Review status: criteria provided, multiple submitters, no conflicts (2 of 4 stars). 3 submissions from 3 submitters: Benign (3). Last evaluated 2021-06-10.

Conditions:
Autosomal recessive limb-girdle muscular dystrophy type 2D (LGMDR3). Also called: MUSCULAR DYSTROPHY, LIMB-GIRDLE, AUTOSOMAL RECESSIVE 3; DUCHENNE-LIKE AUTOSOMAL RECESSIVE MUSCULAR DYSTROPHY, TYPE 2; ADHALINOPATHY, PRIMARY. Identifiers: Orphanet 62, MedGen C2936332, MONDO:0011968, OMIM 608099. Disease mechanism: Affects gamma-sarcoglycan and also disrupts the integrity of the entire sarcoglycan complex..

Allele frequency attached by ClinVar (database versions not stated): TOPMed 0.83230; gnomAD 0.83281 and 0.83558; gnomAD exomes 0.83710; 1000 Genomes Project 30x 0.86181; 1000 Genomes Project 0.86701.
gnomAD v4.1: 1,299,398 of 1,552,088 alleles (84%); highest among the groups gnomAD compares: East Asian, 95%; 544,610 homozygotes.

Submissions (3):

Genome-Nilou Lab
Classification: Benign for Autosomal recessive limb-girdle muscular dystrophy type 2D. Last evaluated: 2021-06-10. Review status: criteria provided, single submitter. Criteria: ACMG Guidelines, 2015. Collection method: clinical testing. Allele origin: germline. Affected: no.

GeneDx
Classification: Benign. Last evaluated: 2018-06-14. Review status: criteria provided, single submitter. Criteria: GeneDx Variant Classification (06012015). Collection method: clinical testing. Allele origin: germline. Affected: yes.
Comment: This variant is considered likely benign or benign based on one or more of the following criteria: it is a conservative change, it occurs at a poorly conserved position in the protein, it is predicted to be benign by multiple in silico algorithms, and/or has population frequency not consistent with disease.

Breakthrough Genomics
Classification: Benign. Review status: criteria provided, single submitter. Criteria: ACMG Guidelines, 2015. Collection method: not provided. Allele origin: germline. Inheritance: Autosomal recessive inheritance. Affected: yes.

NM_000023.4(SGCA):c.312+83C>T

Gene: SGCA (sarcoglycan alpha; plus strand). Cytogenetic location: 17q21.33.
Variant type: single nucleotide variant.
Coding change: c.312+83C>T on transcript NM_000023.4 (MANE Select); 83 bases into the intron after coding-DNA position 312, C replaced by T.
Molecular consequence: intron variant.
Genome position (GRCh38, 1-based): chr17:50,167,819, C>T. VCF-style: chr17-50167819-C-T. GRCh37 (hg19) VCF-style: chr17-48245180-C-T.
Other names: c.312+83C>T (NM_001135697.3).
Identifiers: ClinVar variation 669840 (VCV000669840.5), dbSNP rs2696297, ClinGen allele CA14422348.